The following is an entry in ClinVar:

NM_024105.4(ALG12):c.885A>G (p.Ala295=)

Gene: ALG12 (ALG12 alpha-1,6-mannosyltransferase; minus strand). Cytogenetic location: 22q13.33.
Variant type: single nucleotide variant.
Coding change: c.885A>G on transcript NM_024105.4 (MANE Select); coding-DNA position 885, A replaced by G.
Protein change: p.Ala295=; no amino-acid change (alanine 295 retained).
Molecular consequence: synonymous variant.
Genome position (GRCh38, 1-based): chr22:49,907,828, T>C on the plus strand (A>G on the coding strand, the complement: ALG12 is on the minus strand). VCF-style: chr22-49907828-T-C. GRCh37 (hg19) VCF-style: chr22-50301476-T-C.
Other names: p.Ala295=.
Identifiers: ClinVar variation 96102 (VCV000096102.21), dbSNP rs8135963, ClinGen allele CA149242.

ClinVar aggregate classification (germline): Benign. Review status: criteria provided, multiple submitters, no conflicts (2 of 4 stars). 7 submissions from 7 submitters: Benign (7). Last evaluated 2026-02-03.

Conditions:
ALG12-congenital disorder of glycosylation (CDG1G). Also called: CDG Ig; Congenital disorder of glycosylation, type Ig; ALG12-CDG. Identifiers: Orphanet 79324, MedGen C2931001, MONDO:0011783, OMIM 607143.

Allele frequency attached by ClinVar (database versions not stated): ExAC 0.27037; gnomAD 0.35815 and 0.36465; TOPMed 0.37039; ESP Exome Variant Server 0.38336; 1000 Genomes Project 0.40216; 1000 Genomes Project 30x 0.40990; gnomAD exomes 0.22752 and 0.25557.
gnomAD v4.1: 388,741 of 1,613,820 alleles (24%); highest among the groups gnomAD compares: African/African-American, 74%; 59,745 homozygotes.

Submissions (7):

Labcorp Genetics (formerly Invitae), Labcorp
Classification: Benign for ALG12-congenital disorder of glycosylation. Last evaluated: 2026-02-03. Review status: criteria provided, single submitter. Criteria: Invitae Variant Classification Sherloc (09022015). Collection method: clinical testing. Allele origin: germline.

GeneDx
Classification: Benign. Last evaluated: 2018-06-14. Review status: criteria provided, single submitter. Criteria: GeneDx Variant Classification (06012015). Collection method: clinical testing. Allele origin: germline. Affected: yes.
Comment: This variant is considered likely benign or benign based on one or more of the following criteria: it is a conservative change, it occurs at a poorly conserved position in the protein, it is predicted to be benign by multiple in silico algorithms, and/or has population frequency not consistent with disease.

Illumina Laboratory Services, Illumina
Classification: Benign for ALG12-congenital disorder of glycosylation. Last evaluated: 2018-01-12. Review status: criteria provided, single submitter. Criteria: ICSL Variant Classification Criteria 13 December 2019. Collection method: clinical testing. Allele origin: germline.
Comment: This variant was observed in the ICSL laboratory as part of a predisposition screen in an ostensibly healthy population. It had not been previously curated by ICSL or reported in the Human Gene Mutation Database (HGMD: prior to June 1st, 2018), and was therefore a candidate for classification through an automated scoring system. Utilizing variant allele frequency, disease prevalence and penetrance estimates, and inheritance mode, an automated score was calculated to assess if this variant is too frequent to cause the disease. Based on the score and internal cut-off values, a variant classified as benign is not then subjected to further curation. The score for this variant resulted in a classification of benign for this disease.

Mayo Clinic Laboratories, Mayo Clinic
Classification: Benign. Last evaluated: 2017-11-27. Review status: criteria provided, single submitter. Criteria: ACMG Guidelines, 2015. Collection method: clinical testing. Allele origin: germline. Observed: 16 variant alleles.

Eurofins Ntd Llc (ga)
Classification: Benign. Last evaluated: 2012-07-25. Review status: criteria provided, single submitter. Criteria: EGL Classification Definitions 2015. Collection method: clinical testing. Allele origin: germline. Observed: 26 variant alleles, 21 heterozygotes, 5 homozygotes.

Breakthrough Genomics
Classification: Benign. Review status: criteria provided, single submitter. Criteria: ACMG Guidelines, 2015. Collection method: not provided. Allele origin: germline. Inheritance: Autosomal recessive inheritance. Affected: yes.

PreventionGenetics, part of Exact Sciences
Classification: Benign. Review status: criteria provided, single submitter. Criteria: ACMG Guidelines, 2015. Collection method: clinical testing. Allele origin: germline.